The following is an entry in ClinVar:

ClinVar aggregate classification (germline): Uncertain significance. Review status: criteria provided, multiple submitters, no conflicts (2 of 4 stars). 2 submissions from 2 submitters: Uncertain significance (2). Last evaluated 2026-01-05.

Conditions:
History of neurodevelopmental disorder. Identifiers: MedGen C2711754.
Nance-Horan syndrome (NHS). Identifiers: Orphanet 627, MedGen C0796085, MONDO:0010545, OMIM 302350.

Allele frequency attached by ClinVar (database versions not stated): ExAC 0.00001; gnomAD exomes 0.00001 and 0.00002; TOPMed 0.00001.

Submissions (2):

Labcorp Genetics (formerly Invitae), Labcorp
Classification: Uncertain significance for Nance-Horan syndrome. Last evaluated: 2026-01-05. Review status: criteria provided, single submitter. Criteria: Invitae Variant Classification Sherloc (09022015). Collection method: clinical testing. Allele origin: germline.
Comment: This sequence change replaces arginine, which is basic and polar, with tryptophan, which is neutral and slightly polar, at codon 371 of the NHS protein (p.Arg371Trp). This variant is present in population databases (rs746433521, gnomAD 0.01%). This variant has not been reported in the literature in individuals affected with NHS-related conditions. ClinVar contains an entry for this variant (Variation ID: 590229). Invitae Evidence Modeling of protein sequence and biophysical properties (such as structural, functional, and spatial information, amino acid conservation, physicochemical variation, residue mobility, and thermodynamic stability) indicates that this missense variant is expected to disrupt NHS protein function with a positive predictive value of 80%. In summary, the available evidence is currently insufficient to determine the role of this variant in disease. Therefore, it has been classified as a Variant of Uncertain Significance.

Ambry Genetics
Classification: Uncertain significance for History of neurodevelopmental disorder. Last evaluated: 2013-05-24. Review status: criteria provided, single submitter. Criteria: Ambry Autosomal Dominant and X-Linked criteria (10/2015). Collection method: clinical testing. Allele origin: germline. Observed: 1 variant allele.
Comment: There is insufficient or conflicting evidence for classification of this alteration.

NM_001291867.2(NHS):c.1174C>T (p.Arg392Trp)

Gene: NHS (NHS actin remodeling regulator; plus strand). Cytogenetic location: Xp22.13.
Variant type: single nucleotide variant.
Coding change: c.1174C>T on transcript NM_001291867.2 (MANE Select); coding-DNA position 1174, C replaced by T.
Protein change: p.Arg392Trp; replaces arginine 392 with tryptophan.
Molecular consequence: missense variant.
Genome position (GRCh38, 1-based): chrX:17,724,364, C>T. VCF-style: chrX-17724364-C-T. GRCh37 (hg19) VCF-style: chrX-17742484-C-T.
Other names: c.643C>T, p.Arg215Trp (NM_001136024.4); c.580C>T, p.Arg194Trp (NM_001291868.2); c.1111C>T, p.Arg371Trp (NM_198270.4); short protein forms R371W, R194W, R392W, R215W.
Identifiers: ClinVar variation 590229 (VCV000590229.11), dbSNP rs746433521, ClinGen allele CA10358584.
Genomic context (GRCh38, chrX:17,724,364, plus strand): 5'-GGCTTTGACAGAGAGGCTAGTATACGCTGCTCTCTGGTTCATTCACAATCGGTACTACAG[C>T]GGAGACGAAAATTGAGGAGGAGGAAAACCATCTCGGGTATCCCCAGAAGAGTTCAACAAG-3'
Protein context (NP_001278796.1, residues 382-402): SLVHSQSVLQ[Arg392Trp]RRKLRRRKTI